The following continues an entry in ClinVar:

NM_000492.4(CFTR):c.3038C>T (p.Pro1013Leu)

ClinVar aggregate classification (germline): Conflicting classifications of pathogenicity. Likely pathogenic (5); Uncertain significance (5).

Submissions 11 to 14 of 14:

Molecular Genetics Laboratory, BC Children's and BC Women's Hospitals
Classification: Uncertain significance for Cystic Fibrosis. Last evaluated: 2020-01-30. Review status: no assertion criteria provided. Criteria: ACMG Guidelines, 2015. Collection method: clinical testing. Allele origin: germline. Affected: yes. Not counted in ClinVar's aggregate classification.

Natera, Inc.
Classification: Uncertain significance for CFTR-related disorders. Last evaluated: 2019-11-22. Review status: no assertion criteria provided. Collection method: clinical testing. Allele origin: germline. Not counted in ClinVar's aggregate classification.

Counsyl
Classification: Uncertain significance for Cystic fibrosis. Last evaluated: 2017-05-12. Review status: no assertion criteria provided. Collection method: clinical testing. Allele origin: unknown. Not counted in ClinVar's aggregate classification.

ClinVar Staff, National Center for Biotechnology Information (NCBI)
No classification provided. Condition: CFTR-related disorders. Review status: no classification provided. Collection method: literature only. Allele origin: germline. Affected: yes. Not counted in ClinVar's aggregate classification.

Literature cited by the submitters: PubMed 12007216 (cited by Women's Health and Genetics/Laboratory Corporation of America, LabCorp); PubMed 9521595 (cited by 5 submitters); PubMed 12439892 (cited by 3 submitters); PubMed 17594398 (cited by 4 submitters); PubMed 16436643 (cited by 4 submitters); PubMed 11504857 (cited by Women's Health and Genetics/Laboratory Corporation of America, LabCorp); PubMed 11278813 (cited by 5 submitters); PubMed 25735457 (cited by Women's Health and Genetics/Laboratory Corporation of America, LabCorp); PubMed 26437683 (cited by Women's Health and Genetics/Laboratory Corporation of America, LabCorp and Mayo Clinic Laboratories, Mayo Clinic); PubMed 25910067 (cited by Women's Health and Genetics/Laboratory Corporation of America, LabCorp and Mayo Clinic Laboratories, Mayo Clinic); PubMed 25880441 (cited by Women's Health and Genetics/Laboratory Corporation of America, LabCorp and Mayo Clinic Laboratories, Mayo Clinic); PubMed 23613805 (cited by 5 submitters); PubMed 32784480 (cited by Women's Health and Genetics/Laboratory Corporation of America, LabCorp and Mayo Clinic Laboratories, Mayo Clinic); PubMed 33572515 (cited by Women's Health and Genetics/Laboratory Corporation of America, LabCorp and Mayo Clinic Laboratories, Mayo Clinic); PubMed 34426522 (cited by Women's Health and Genetics/Laboratory Corporation of America, LabCorp); PubMed 34996830 (cited by Women's Health and Genetics/Laboratory Corporation of America, LabCorp); PubMed 34860163 (cited by 3 submitters); PubMed 37867076 (cited by Women's Health and Genetics/Laboratory Corporation of America, LabCorp and Mayo Clinic Laboratories, Mayo Clinic); PubMed 38388235 (cited by Women's Health and Genetics/Laboratory Corporation of America, LabCorp); PubMed 39031495 (cited by Women's Health and Genetics/Laboratory Corporation of America, LabCorp); PubMed 37923102 (cited by Women's Health and Genetics/Laboratory Corporation of America, LabCorp); PubMed 39532587 (cited by Women's Health and Genetics/Laboratory Corporation of America, LabCorp); PubMed 40955454 (cited by Women's Health and Genetics/Laboratory Corporation of America, LabCorp); PubMed 34525262 (cited by Mayo Clinic Laboratories, Mayo Clinic); PubMed 11446424 (cited by Ambry Genetics and ClinVar Staff, National Center for Biotechnology Information (NCBI)).